The following is an entry in ClinVar:

NM_000531.6(OTC):c.533C>T (p.Thr178Met)

Gene: OTC (ornithine transcarbamylase; plus strand). Cytogenetic location: Xp11.4.
Variant type: single nucleotide variant.
Coding change: c.533C>T on transcript NM_000531.6 (MANE Select); coding-DNA position 533, C replaced by T.
Protein change: p.Thr178Met; replaces threonine 178 with methionine.
Molecular consequence: missense variant.
Genome position (GRCh38, 1-based): chrX:38,401,421, C>T. VCF-style: chrX-38401421-C-T. GRCh37 (hg19) VCF-style: chrX-38260674-C-T.
Other names: short protein forms T178M.
Identifiers: ClinVar variation 97237 (VCV000097237.20), dbSNP rs72556284, ClinGen allele CA224668.

ClinVar aggregate classification (germline): Pathogenic. Review status: criteria provided, multiple submitters, no conflicts (2 of 4 stars). 8 submissions from 8 submitters: Pathogenic (7). 1 of the submissions does not count toward it. Last evaluated 2025-04-30.

Conditions:
Ornithine carbamoyltransferase deficiency (OTCD). Also called: ORNITHINE TRANSCARBAMYLASE DEFICIENCY, HYPERAMMONEMIA DUE TO; ORNITHINE TRANSCARBAMYLASE DEFICIENCY; OTC DEFICIENCY; Ornithine Carbamoyltransferase Deficiency Disease. Identifiers: Orphanet 664, MedGen C0268542, MONDO:0010703, OMIM 311250.

Submissions (8):

Labcorp Genetics (formerly Invitae), Labcorp
Classification: Pathogenic for Ornithine carbamoyltransferase deficiency. Last evaluated: 2025-04-30. Review status: criteria provided, single submitter. Criteria: Invitae Variant Classification Sherloc (09022015). Collection method: clinical testing. Allele origin: germline.
Comment: This sequence change replaces threonine, which is neutral and polar, with methionine, which is neutral and non-polar, at codon 178 of the OTC protein (p.Thr178Met). This variant is not present in population databases (gnomAD no frequency). This missense change has been observed in individual(s) with ornithine transcarbamylase deficiency (PMID: 7860066). ClinVar contains an entry for this variant (Variation ID: 97237). Invitae Evidence Modeling of protein sequence and biophysical properties (such as structural, functional, and spatial information, amino acid conservation, physicochemical variation, residue mobility, and thermodynamic stability) indicates that this missense variant is expected to disrupt OTC protein function with a positive predictive value of 95%. For these reasons, this variant has been classified as Pathogenic.

GeneDx
Classification: Pathogenic. Last evaluated: 2024-10-27. Review status: criteria provided, single submitter. Criteria: GeneDx Variant Classification Process June 2021. Collection method: clinical testing. Allele origin: germline. Affected: yes.
Comment: In silico analysis supports that this missense variant has a deleterious effect on protein structure/function; Not observed at significant frequency in large population cohorts (gnomAD); Published functional studies suggest a damaging effect on protein function (PMID: 37146589); This variant is associated with the following publications: (PMID: 25958381, 23430554, 16786505, 9452049, 34014569, 29524203, 11117428, 25994866, 7860066, 25433810, 10946359, 24007980, 18662894, 23829977, 15159648, 17334707, 17565723, 12083811, 23231960, 28324312, 31426867, 36007526, 37131043, 37432431, 34014557, 33851512, 37146589)

Revvity Omics, Revvity
Classification: Pathogenic for Ornithine carbamoyltransferase deficiency. Last evaluated: 2023-08-13. Review status: criteria provided, single submitter. Criteria: ACMG Guidelines, 2015. Collection method: clinical testing. Allele origin: germline.

Genome-Nilou Lab
Classification: Pathogenic for Ornithine carbamoyltransferase deficiency. Last evaluated: 2021-11-07. Review status: criteria provided, single submitter. Criteria: ACMG Guidelines, 2015. Collection method: clinical testing. Allele origin: germline. Affected: no.

Athena Diagnostics
Classification: Pathogenic. Last evaluated: 2021-10-04. Review status: criteria provided, single submitter. Criteria: Athena Diagnostics Criteria. Collection method: clinical testing. Allele origin: unknown.
Comment: This variant has been identified in multiple unrelated individuals with clinical features associated with this gene (PMID: 7860066, 23829977, 25994866, 12083811, 31426867, 17334707, 34014569, 17565723, 29524203, 10946359, 9452049, 11117428, 23430554). This variant has not been reported in large, multi-ethnic general populations. Computational tools yielded predictions that this amino acid change may be damaging to the protein. This observation is not an independent occurrence and has been identified in the same individual by RCIGM, the other laboratory participating in the GEMINI study.

Institute of Human Genetics, University of Leipzig Medical Center
Classification: Pathogenic for Ornithine carbamoyltransferase deficiency. Last evaluated: 2020-06-18. Review status: criteria provided, single submitter. Criteria: ACMG Guidelines, 2015. Collection method: clinical testing. Allele origin: unknown. Inheritance: X-linked recessive inheritance. Affected: yes.
Comment: Criteria applied: PP4_STR,PS4_MOD,PM2,PP1,PP3

Juno Genomics, Hangzhou Juno Genomics, Inc
Classification: Pathogenic for Ornithine carbamoyltransferase deficiency. Review status: criteria provided, single submitter. Criteria: ACMG Guidelines, 2015. Collection method: clinical testing. Allele origin: germline. Affected: yes.
Comment: Absent from controls (or at extremely low frequency if recessive) in Genome Aggregation Database, Exome Sequencing Project, 1000 Genomes Project, or Exome Aggregation Consortium.;Multiple lines of computational evidence support a deleterious effect on the gene or gene product (conservation, evolutionary, splicing impact, etc).;The prevalence of the variant in affected individuals is significantly increased compared to the prevalence in controls.;Patient's phenotype or family history is highly specific for a disease with a single genetic etiology.;Assumed de novo, but without confirmation of paternity and maternity.

GenMed Metabolism Lab
Classification: Pathogenic. Review status: no assertion criteria provided. Collection method: not provided. Allele origin: unknown. Not counted in ClinVar's aggregate classification.
Comment: p.Thr178Met, Neonatal
ClinVar note: Converted during submission from pathogenic to Pathogenic.

Literature cited by the submitters: PubMed 7860066 (cited by Labcorp Genetics (formerly Invitae), Labcorp).